The following is an entry in ClinVar:

NM_004958.4(MTOR):c.1321dup (p.Ser441fs)

Gene: MTOR (mechanistic target of rapamycin kinase; minus strand). Cytogenetic location: 1p36.22.
Variant type: Duplication.
Coding change: c.1321dup on transcript NM_004958.4 (MANE Select); coding-DNA position 1321, one base duplicated (T; older notation c.1321dupT).
Protein change: p.Ser441fs; shifts the reading frame from serine 441.
Molecular consequence: frameshift variant.
Genome position (GRCh38, 1-based): chr1:11,243,205, A duplicated on the plus strand (T on the coding strand, the reverse complement: MTOR is on the minus strand); the first of 3 consecutive A bases (chr1:11,243,205-11,243,207); duplicating any one gives the same sequence. VCF-style (leftmost placement, unchanged base first): chr1-11243204-G-GA. GRCh37 (hg19) VCF-style: chr1-11303261-G-GA.
Other names: c.1321dup, p.Ser441fs (NM_001386500.1); c.73dup, p.Ser25fs (NM_001386501.1); c.1321dup (NM_004958.3); short protein forms S25fs, S441fs.
Identifiers: ClinVar variation 2497912 (VCV002497912.1), dbSNP rs2523355614, ClinGen allele CA2580060519.

ClinVar aggregate classification (germline): Uncertain significance (1 of 4 stars; one submission).

Submission:

GeneDx
Classification: Uncertain significance. Last evaluated: 2022-10-09. Review status: criteria provided, single submitter. Criteria: GeneDx Variant Classification Process June 2021. Collection method: clinical testing. Allele origin: germline. Affected: yes.
Comment: Not observed at significant frequency in large population cohorts (gnomAD); Frameshift variant predicted to result in protein truncation or nonsense mediated decay in a gene or region of a gene for which loss of function is not a well-established mechanism of disease; Has not been previously published as pathogenic or benign to our knowledge